The following is an entry in ClinVar:

ClinVar aggregate classification (germline): Uncertain significance (1 of 4 stars; one submission).

Submission:

GeneDx
Classification: Uncertain significance. Last evaluated: 2025-07-01. Review status: criteria provided, single submitter. Criteria: GeneDx Variant Classification Process June 2021. Collection method: clinical testing. Allele origin: germline.
Comment: Not observed at significant frequency in large population cohorts (gnomAD); In silico analysis supports that this missense variant has a deleterious effect on protein structure/function; Has not been previously published as pathogenic or benign to our knowledge

NM_004606.5(TAF1):c.647T>C (p.Met216Thr)

Gene: TAF1 (TATA-box binding protein associated factor 1; plus strand). Cytogenetic location: Xq13.1.
Variant type: single nucleotide variant.
Coding change: c.647T>C on transcript NM_004606.5 (MANE Select); coding-DNA position 647, T replaced by C.
Protein change: p.Met216Thr; replaces methionine 216 with threonine.
Molecular consequence: missense variant. On other transcripts: non-coding transcript variant (9).
Genome position (GRCh38, 1-based): chrX:71,377,124, T>C. VCF-style: chrX-71377124-T-C. GRCh37 (hg19) VCF-style: chrX-70596974-T-C.
Other names: c.647T>C, p.Met216Thr (NM_001286074.2); c.584T>C, p.Met195Thr (NM_138923.4); short protein forms M195T, M216T.
Identifiers: ClinVar variation 3766236 (VCV003766236.2).